The following is an entry in ClinVar:

ClinVar aggregate classification (germline): Uncertain significance. Review status: criteria provided, multiple submitters, no conflicts (2 of 4 stars). 2 submissions from 2 submitters: Uncertain significance (2). Last evaluated 2023-03-21.

Conditions:
Cardiovascular phenotype. Identifiers: MedGen CN230736.

Allele frequency attached by ClinVar (database versions not stated): ExAC 0.00001; gnomAD 0.00001; gnomAD exomes 0.00001; TOPMed 0.00001; ESP Exome Variant Server 0.00008.

Submissions (2):

Ambry Genetics
Classification: Uncertain significance for Cardiovascular phenotype. Last evaluated: 2023-03-21. Review status: criteria provided, single submitter. Criteria: Ambry Variant Classification Scheme 2023. Collection method: clinical testing. Allele origin: germline.
Comment: The p.G394R variant (also known as c.1180G>C), located in coding exon 8 of the ABCG8 gene, results from a G to C substitution at nucleotide position 1180. The glycine at codon 394 is replaced by arginine, an amino acid with dissimilar properties. This amino acid position is conserved. In addition, this alteration is predicted to be deleterious by in silico analysis. Since supporting evidence is limited at this time, the clinical significance of this alteration remains unclear.

Eurofins Ntd Llc (ga)
Classification: Uncertain significance. Last evaluated: 2017-12-06. Review status: criteria provided, single submitter. Criteria: EGL Classification Definitions 2015. Collection method: clinical testing. Allele origin: germline. Observed: 1 variant allele, 1 heterozygote.

NM_022437.3(ABCG8):c.1180G>C (p.Gly394Arg)

Gene: ABCG8 (ATP binding cassette subfamily G member 8; plus strand). Cytogenetic location: 2p21.
Variant type: single nucleotide variant.
Coding change: c.1180G>C on transcript NM_022437.3 (MANE Select); coding-DNA position 1180, G replaced by C.
Protein change: p.Gly394Arg; replaces glycine 394 with arginine.
Molecular consequence: missense variant.
Genome position (GRCh38, 1-based): chr2:43,872,275, G>C. VCF-style: chr2-43872275-G-C. GRCh37 (hg19) VCF-style: chr2-44099414-G-C.
Other names: c.1177G>C, p.Gly393Arg (NM_001357321.2); c.1180G>C (NM_022437.2); short protein forms G394R, G393R.
Identifiers: ClinVar variation 595274 (VCV000595274.7), dbSNP rs374156864, ClinGen allele CA1637331.